The following is an entry in ClinVar:

ClinVar aggregate classification (germline): Conflicting classifications of pathogenicity. Review status: criteria provided, conflicting classifications (1 of 4 stars). 3 submissions from 3 submitters: Uncertain significance (1); Likely benign (1). 1 of the submissions does not count toward it. Last evaluated 2023-08-17.

Conditions:
VWF-related disorder. Also called: VWF-related disorders; VWF-related condition.

Allele frequency attached by ClinVar (database versions not stated): TOPMed 0.00002; gnomAD 0.00019; gnomAD exomes 0.00033; ExAC 0.00071; 1000 Genomes Project 0.00140; 1000 Genomes Project 30x 0.00141.
gnomAD v4.1: 504 of 1,614,168 alleles (0.031%); highest among the groups gnomAD compares: South Asian, 0.51%; 5 homozygotes.

Submissions (3):

Women's Health and Genetics/Laboratory Corporation of America, LabCorp
Classification: Likely benign. Last evaluated: 2023-08-17. Review status: criteria provided, single submitter. Criteria: LabCorp Variant Classification Summary - May 2015. Collection method: clinical testing. Allele origin: germline.
Comment: Variant summary: VWF c.7624A>G (p.Ile2542Val) results in a conservative amino acid change in the encoded protein sequence. Five of five in-silico tools predict a benign effect of the variant on protein function. The variant allele was found at a frequency of 0.0006 in 251452 control chromosomes, predominantly at a frequency of 0.0048 within the South Asian subpopulation in the gnomAD database, including 2 homozygotes, suggesting that the variant might be benign. To our knowledge, no occurrence of c.7624A>G in individuals affected with Von Willebrand Disease and no experimental evidence demonstrating its impact on protein function have been reported. No submitters have cited clinical-significance assessments for this variant to ClinVar after 2014. Based on the evidence outlined above, the variant was classified as likely benign.

Quest Diagnostics Nichols Institute San Juan Capistrano
Classification: Uncertain significance. Last evaluated: 2023-04-24. Review status: criteria provided, single submitter. Criteria: Quest Diagnostics criteria. Collection method: clinical testing. Allele origin: unknown.
Comment: This variant has not been reported in the published literature. The frequency of this variant in the general population, 0.0048 (147/30616 chromosomes), is uninformative in assessment of its pathogenicity. Analysis of this variant using bioinformatics tools for the prediction of the effect of amino acid changes on protein structure and function yielded predictions that this variant is benign. Based on the available information, we are unable to determine the clinical significance of this variant.

PreventionGenetics, part of Exact Sciences
Classification: Likely benign for VWF-related condition. Last evaluated: 2023-04-24. Review status: no assertion criteria provided. Collection method: clinical testing. Allele origin: germline. Not counted in ClinVar's aggregate classification.
Comment: This variant is classified as likely benign based on ACMG/AMP sequence variant interpretation guidelines (Richards et al. 2015 PMID: 25741868, with internal and published modifications).

NM_000552.5(VWF):c.7624A>G (p.Ile2542Val)

Gene: VWF (von Willebrand factor; minus strand). Cytogenetic location: 12p13.31.
Variant type: single nucleotide variant.
Coding change: c.7624A>G on transcript NM_000552.5 (MANE Select); coding-DNA position 7624, A replaced by G.
Protein change: p.Ile2542Val; replaces isoleucine 2542 with valine.
Molecular consequence: missense variant.
Genome position (GRCh38, 1-based): chr12:5,969,316, T>C on the plus strand (A>G on the coding strand, the complement: VWF is on the minus strand). VCF-style: chr12-5969316-T-C. GRCh37 (hg19) VCF-style: chr12-6078482-T-C.
Other names: short protein forms I2542V.
Identifiers: ClinVar variation 2581180 (VCV002581180.4), dbSNP rs532963814, ClinGen allele CA6401602.
Genomic context (GRCh38, chr12:5,969,316, plus strand): 5'-GAAAGCCCGAGGGGCAGACAGGGACCTCCAGCTGGGGGCAGGAGACGTTCCTTTGTTGTA[T>C]AAAGACCTCCTCCTTCACTCGGACACACTCATTGATGAGGCAGGGGTTCTCCGGGGAGGC-3'
Protein context (NP_000543.3, residues 2532-2552): ECVRVKEEVF[Ile2542Val]QQRNVSCPQL